The following is an entry in ClinVar:

ClinVar aggregate classification (germline): Uncertain significance. Review status: criteria provided, multiple submitters, no conflicts (2 of 4 stars). 2 submissions from 2 submitters: Uncertain significance (2). Last evaluated 2025-10-01.

Allele frequency attached by ClinVar (database versions not stated): ExAC 0.00002; gnomAD 0.00003; TOPMed 0.00004; gnomAD exomes 0.00005.

Submissions (2):

Ambry Genetics
Classification: Uncertain significance. Last evaluated: 2025-10-01. Review status: criteria provided, single submitter. Criteria: Ambry Variant Classification Scheme 2023. Collection method: clinical testing. Allele origin: germline.

Labcorp Genetics (formerly Invitae), Labcorp
Classification: Uncertain significance. Last evaluated: 2025-05-05. Review status: criteria provided, single submitter. Criteria: Invitae Variant Classification Sherloc (09022015). Collection method: clinical testing. Allele origin: germline.
Comment: This sequence change replaces valine, which is neutral and non-polar, with aspartic acid, which is acidic and polar, at codon 238 of the UCP2 protein (p.Val238Asp). This variant is present in population databases (rs765981351, gnomAD 0.006%). This variant has not been reported in the literature in individuals affected with UCP2-related conditions. ClinVar contains an entry for this variant (Variation ID: 1910571). An algorithm developed to predict the effect of missense changes on protein structure and function (PolyPhen-2) suggests that this variant is likely to be disruptive. In summary, the available evidence is currently insufficient to determine the role of this variant in disease. Therefore, it has been classified as a Variant of Uncertain Significance.

NM_003355.3(UCP2):c.713T>A (p.Val238Asp)

Gene: UCP2 (uncoupling protein 2; minus strand). Cytogenetic location: 11q13.4.
Variant type: single nucleotide variant.
Coding change: c.713T>A on transcript NM_003355.3 (MANE Select); coding-DNA position 713, T replaced by A.
Protein change: p.Val238Asp; replaces valine 238 with aspartic acid.
Molecular consequence: missense variant.
Genome position (GRCh38, 1-based): chr11:73,975,593, A>T on the plus strand (T>A on the coding strand, the complement: UCP2 is on the minus strand). VCF-style: chr11-73975593-A-T. GRCh37 (hg19) VCF-style: chr11-73686638-A-T.
Other names: c.713T>A (NM_003355.2); c.713T>A, p.Val238Asp (NM_001381943.1, NM_001381944.1, NM_001381945.1 and 2 more transcripts); c.611T>A, p.Val204Asp (NM_001381949.1); c.518T>A, p.Val173Asp (NM_001381950.1); short protein forms V173D, V238D, V204D.
Identifiers: ClinVar variation 1910571 (VCV001910571.8), dbSNP rs765981351, ClinGen allele CA6181046.